The following is an entry in ClinVar:

ClinVar aggregate classification (germline): Uncertain significance (1 of 4 stars; one submission).

Allele frequency attached by ClinVar (database versions not stated): TOPMed below 0.00001; gnomAD exomes 0.00001.
gnomAD v4.1: 4 of 1,613,440 alleles (0.00025%); highest among the groups gnomAD compares: Admixed American, 0.0067%; no homozygotes.

Submission:

Labcorp Genetics (formerly Invitae), Labcorp
Classification: Uncertain significance. Last evaluated: 2026-01-26. Review status: criteria provided, single submitter. Criteria: Invitae Variant Classification Sherloc (09022015). Collection method: clinical testing. Allele origin: germline.
Comment: This sequence change replaces arginine, which is basic and polar, with serine, which is neutral and polar, at codon 491 of the DSG1 protein (p.Arg491Ser). This variant is not present in population databases (gnomAD no frequency). This variant has not been reported in the literature in individuals affected with DSG1-related conditions. ClinVar contains an entry for this variant (Variation ID: 2192646). Invitae Evidence Modeling of protein sequence and biophysical properties (such as structural, functional, and spatial information, amino acid conservation, physicochemical variation, residue mobility, and thermodynamic stability) indicates that this missense variant is not expected to disrupt DSG1 protein function with a negative predictive value of 80%. In summary, the available evidence is currently insufficient to determine the role of this variant in disease. Therefore, it has been classified as a Variant of Uncertain Significance.

NM_001942.4(DSG1):c.1473G>T (p.Arg491Ser)

Gene: DSG1 (desmoglein 1; plus strand). Cytogenetic location: 18q12.1.
Variant type: single nucleotide variant.
Coding change: c.1473G>T on transcript NM_001942.4 (MANE Select); coding-DNA position 1473, G replaced by T.
Protein change: p.Arg491Ser; replaces arginine 491 with serine.
Molecular consequence: missense variant.
Genome position (GRCh38, 1-based): chr18:31,339,811, G>T. VCF-style: chr18-31339811-G-T. GRCh37 (hg19) VCF-style: chr18-28919774-G-T.
Other names: short protein forms R491S.
Identifiers: ClinVar variation 2192646 (VCV002192646.4), dbSNP rs1182294933, ClinGen allele CA402137370.
Genomic context (GRCh38, chr18:31,339,811, plus strand): 5'-TCAAAGAACTTGCACTGGTACAATTAATATTAACATTCAAAGTTTTGGTAATGACGACAG[G>T]ACTAATACAGAGCCGAACACTAAAATTACTACCAATACTGGCAGACAAGAAAGTACTTCT-3'
Protein context (NP_001933.2, residues 481-501): INIQSFGNDD[Arg491Ser]TNTEPNTKIT